The following is an entry in ClinVar:

NM_004560.4(ROR2):c.175+1G>A

Gene: ROR2 (receptor tyrosine kinase like orphan receptor 2; minus strand). Cytogenetic location: 9q22.31.
Variant type: single nucleotide variant.
Coding change: c.175+1G>A on transcript NM_004560.4 (MANE Select); the canonical splice donor site of the intron after coding-DNA position 175, G replaced by A.
Molecular consequence: splice donor variant.
Genome position (GRCh38, 1-based): chr9:91,775,740, C>T on the plus strand (G>A on the coding strand, the complement: ROR2 is on the minus strand). VCF-style: chr9-91775740-C-T. GRCh37 (hg19) VCF-style: chr9-94538022-C-T.
Other names: c.175+1G>A (NM_001318204.2).
Identifiers: ClinVar variation 1066325 (VCV001066325.8), dbSNP rs753069829, ClinGen allele CA5121113.

ClinVar aggregate classification (germline): Likely pathogenic. Review status: criteria provided, multiple submitters, no conflicts (2 of 4 stars). 2 submissions from 2 submitters: Likely pathogenic (2). Last evaluated 2022-07-05.

Conditions:
Autosomal recessive Robinow syndrome (RRS1). Also called: COSTOVERTEBRAL SEGMENTATION DEFECT WITH MESOMELIA; COVESDEM SYNDROME; ROBINOW SYNDROME, AUTOSOMAL RECESSIVE 1; ROR2-Related Robinow Syndrome. Identifiers: Orphanet 1507, Orphanet 97360, MedGen C5399974, MONDO:0009999, OMIM 268310.
Brachydactyly type B1 (BDB1). Identifiers: Orphanet 572385, Orphanet 93383, MedGen C1862112, MONDO:0007220, OMIM 113000.

Allele frequency attached by ClinVar (database versions not stated): gnomAD 0.00001; gnomAD exomes 0.00001 and 0.00002; ExAC 0.00002; TOPMed 0.00002.
gnomAD v4.1: 8 of 1,613,792 alleles (0.0005%); highest among the groups gnomAD compares: Admixed American, 0.01%; no homozygotes.

Submissions (2):

Labcorp Genetics (formerly Invitae), Labcorp
Classification: Likely pathogenic. Last evaluated: 2022-07-05. Review status: criteria provided, single submitter. Criteria: Invitae Variant Classification Sherloc (09022015). Collection method: clinical testing. Allele origin: germline.
Comment: This variant is present in population databases (rs753069829, gnomAD 0.009%). In summary, the currently available evidence indicates that the variant is pathogenic, but additional data are needed to prove that conclusively. Therefore, this variant has been classified as Likely Pathogenic. Algorithms developed to predict the effect of sequence changes on RNA splicing suggest that this variant may disrupt the consensus splice site. ClinVar contains an entry for this variant (Variation ID: 1066325). This variant has not been reported in the literature in individuals affected with ROR2-related conditions. This sequence change affects a donor splice site in intron 2 of the ROR2 gene. It is expected to disrupt RNA splicing. Variants that disrupt the donor or acceptor splice site typically lead to a loss of protein function (PMID: 16199547), and loss-of-function variants in ROR2 are known to be pathogenic (PMID: 10932186).

Fulgent Genetics
Classification: Likely pathogenic for Brachydactyly type B1; Autosomal recessive Robinow syndrome. Last evaluated: 2021-10-07. Review status: criteria provided, single submitter. Criteria: ACMG Guidelines, 2015. Collection method: clinical testing. Allele origin: unknown.

Literature cited by the submitters: PubMed 16199547 (cited by Labcorp Genetics (formerly Invitae), Labcorp); PubMed 10932186 (cited by Labcorp Genetics (formerly Invitae), Labcorp).